The following is an entry in ClinVar:

ClinVar aggregate classification (germline): Uncertain significance (1 of 4 stars; one submission).

Conditions:
Familial temporal lobe epilepsy 7. Identifiers: Orphanet 101046, MedGen C4225327, MONDO:0014639, OMIM 616436.
Norman-Roberts syndrome (LIS2). Also called: Lissencephaly 2 (Norman-Roberts type). Identifiers: Orphanet 89844, MedGen C0796089, MONDO:0009760, OMIM 257320.

Submission:

Labcorp Genetics (formerly Invitae), Labcorp
Classification: Uncertain significance for Familial temporal lobe epilepsy 7; Norman-Roberts syndrome. Last evaluated: 2024-08-27. Review status: criteria provided, single submitter. Criteria: Invitae Variant Classification Sherloc (09022015). Collection method: clinical testing. Allele origin: germline.
Comment: This sequence change replaces proline, which is neutral and non-polar, with serine, which is neutral and polar, at codon 35 of the RELN protein (p.Pro35Ser). Information on the frequency of this variant in the gnomAD database is not available, as this variant may be reported differently in the database. This variant has not been reported in the literature in individuals affected with RELN-related conditions. ClinVar contains an entry for this variant (Variation ID: 1417341). Experimental studies and prediction algorithms are not available or were not evaluated, and the functional significance of this variant is currently unknown. In summary, the available evidence is currently insufficient to determine the role of this variant in disease. Therefore, it has been classified as a Variant of Uncertain Significance.

NM_005045.4(RELN):c.102_103delinsTT (p.Pro35Ser)

Gene: RELN (reelin; minus strand). Cytogenetic location: 7q22.1.
Variant type: Indel.
Coding change: c.102_103delinsTT on transcript NM_005045.4 (MANE Select); coding-DNA positions 102 to 103, GC replaced by TT.
Protein change: p.Pro35Ser; replaces proline 35 with serine.
Molecular consequence: missense variant.
Genome position (GRCh38, 1-based): chr7:103,989,254-103,989,255, GC replaced by AA on the plus strand (GC replaced by TT on the coding strand, the reverse complement: RELN is on the minus strand). VCF-style: chr7-103989254-GC-AA. GRCh37 (hg19) VCF-style: chr7-103629701-GC-AA.
Other names: c.102_103delinsTT, p.Pro35Ser (NM_173054.3); short protein forms P35S.
Identifiers: ClinVar variation 1417341 (VCV001417341.6), dbSNP rs2116860248, ClinGen allele CA2573141417.